The following is an entry in ClinVar:

NM_001077350.3(NPRL3):c.166G>A (p.Asp56Asn)

Genes: HBA-LCR (alpha-globin locus control region; plus strand), NPRL3 (NPR3 like, GATOR1 complex subunit; minus strand). Cytogenetic location: 16p13.3.
Variant type: single nucleotide variant.
Coding change: c.166G>A on transcript NM_001077350.3 (MANE Select); coding-DNA position 166, G replaced by A.
Protein change: p.Asp56Asn; replaces aspartic acid 56 with asparagine.
Molecular consequence: missense variant. On other transcripts: 5 prime UTR variant (2).
Genome position (GRCh38, 1-based): chr16:130,544, C>T on the plus strand (G>A on the coding strand, the complement: NPRL3 is on the minus strand). VCF-style: chr16-130544-C-T. GRCh37 (hg19) VCF-style: chr16-180543-C-T.
Other names: c.-167G>A (NM_001039476.3); c.-206G>A (NM_001243247.2); c.166G>A, p.Asp56Asn (NM_001243248.2, NM_001243249.2); short protein forms D56N.
Identifiers: ClinVar variation 3201781 (VCV003201781.2), dbSNP rs777683049, ClinGen allele CA7769762.

ClinVar aggregate classification (germline): Uncertain significance. Review status: criteria provided, multiple submitters, no conflicts (2 of 4 stars). 2 submissions from 2 submitters: Uncertain significance (2). Last evaluated 2025-12-13.

Conditions:
Epilepsy, familial focal, with variable foci 3 (FFEVF3). Identifiers: MedGen C4310708, MONDO:0014925, OMIM 617118.
Inborn genetic diseases. Identifiers: MedGen C0950123, MeSH D030342.

Allele frequency attached by ClinVar (database versions not stated): TOPMed 0.00003; gnomAD 0.00001.

Submissions (2):

Labcorp Genetics (formerly Invitae), Labcorp
Classification: Uncertain significance for Epilepsy, familial focal, with variable foci 3. Last evaluated: 2025-12-13. Review status: criteria provided, single submitter. Criteria: Invitae Variant Classification Sherloc (09022015). Collection method: clinical testing. Allele origin: germline.
Comment: This sequence change replaces aspartic acid, which is acidic and polar, with asparagine, which is neutral and polar, at codon 56 of the NPRL3 protein (p.Asp56Asn). This variant is not present in population databases (gnomAD no frequency). This variant has not been reported in the literature in individuals affected with NPRL3-related conditions. ClinVar contains an entry for this variant (Variation ID: 3201781). Invitae Evidence Modeling of protein sequence and biophysical properties (such as structural, functional, and spatial information, amino acid conservation, physicochemical variation, residue mobility, and thermodynamic stability) indicates that this missense variant is not expected to disrupt NPRL3 protein function with a negative predictive value of 80%. In summary, the available evidence is currently insufficient to determine the role of this variant in disease. Therefore, it has been classified as a Variant of Uncertain Significance.

Ambry Genetics
Classification: Uncertain significance for Inborn genetic diseases. Last evaluated: 2023-10-05. Review status: criteria provided, single submitter. Criteria: Ambry Variant Classification Scheme 2023. Collection method: clinical testing. Allele origin: germline.